The following is an entry in ClinVar:

NM_005198.5(CHKB):c.80A>T (p.Lys27Met)

Genes: CHKB (choline kinase beta; minus strand), CHKB-CPT1B (CHKB-CPT1B readthrough (NMD candidate); minus strand). Cytogenetic location: 22q13.33.
Variant type: single nucleotide variant.
Coding change: c.80A>T on transcript NM_005198.5 (MANE Select); coding-DNA position 80, A replaced by T.
Protein change: p.Lys27Met; replaces lysine 27 with methionine.
Molecular consequence: missense variant. On other transcripts: non-coding transcript variant (1).
Genome position (GRCh38, 1-based): chr22:50,582,702, T>A on the plus strand (A>T on the coding strand, the complement: CHKB is on the minus strand). VCF-style: chr22-50582702-T-A. GRCh37 (hg19) VCF-style: chr22-51021131-T-A.
Other names: short protein forms K27M.
Identifiers: ClinVar variation 4228150 (VCV004228150.2).

ClinVar aggregate classification (germline): Uncertain significance. Review status: criteria provided, multiple submitters, no conflicts (2 of 4 stars). 2 submissions from 2 submitters: Uncertain significance (2). Last evaluated 2026-02-24.

Conditions:
Inborn genetic diseases. Identifiers: MedGen C0950123, MeSH D030342.

gnomAD v4.1: 16 of 1,609,914 alleles (0.00099%); highest among the groups gnomAD compares: Non-Finnish European, 0.0014%; no homozygotes.

Submissions (2):

GeneDx
Classification: Uncertain significance. Last evaluated: 2026-02-24. Review status: criteria provided, single submitter. Criteria: GeneDx Variant Classification Process June 2021. Collection method: clinical testing. Allele origin: germline.
Comment: Not observed at significant frequency in large population cohorts (gnomAD); In silico analysis suggests that this missense variant does not alter protein structure/function; Has not been previously published as pathogenic or benign to our knowledge

Ambry Genetics
Classification: Uncertain significance for Inborn genetic diseases. Last evaluated: 2025-08-29. Review status: criteria provided, single submitter. Criteria: Ambry Variant Classification Scheme 2023. Collection method: clinical testing. Allele origin: germline.